The following is an entry in ClinVar:

NM_203447.4(DOCK8):c.496G>C (p.Glu166Gln)

Gene: DOCK8 (dedicator of cytokinesis 8; plus strand). Cytogenetic location: 9p24.3.
Variant type: single nucleotide variant.
Coding change: c.496G>C on transcript NM_203447.4 (MANE Select); coding-DNA position 496, G replaced by C.
Protein change: p.Glu166Gln; replaces glutamic acid 166 with glutamine.
Molecular consequence: missense variant.
Genome position (GRCh38, 1-based): chr9:304,672, G>C. VCF-style: chr9-304672-G-C. GRCh37 (hg19) VCF-style: chr9-304672-G-C.
Other names: c.292G>C, p.Glu98Gln (NM_001190458.2, NM_001193536.2); short protein forms E166Q, E98Q.
Identifiers: ClinVar variation 1349408 (VCV001349408.8), dbSNP rs2130594466, ClinGen allele CA372758921.
Genomic context (GRCh38, chr9:304,672, plus strand): 5'-AAAAAGACTGGATCTCGAAAAGATTTTCACAAGACGCTTCCGAAACAGACGTTTGAGTCG[G>C]AAACCTTGGAGTGCAGTGAACCCGCTGCTCAGGTATTTCCTGTCAACAAACATGGTTACC-3'
Protein context (NP_982272.2, residues 156-176): KTLPKQTFES[Glu166Gln]TLECSEPAAQ

ClinVar aggregate classification (germline): Uncertain significance (1 of 4 stars; one submission).

Conditions:
Combined immunodeficiency due to DOCK8 deficiency (HIES2). Also called: HIES autosomal recessive; Hyper-IgE recurrent infection syndrome, autosomal recessive; HYPER-IgE SYNDROME 2, AUTOSOMAL RECESSIVE, WITH RECURRENT INFECTIONS; DOCK8 Deficiency; HYPER-IgE RECURRENT INFECTION SYNDROME 2, AUTOSOMAL RECESSIVE. Identifiers: Orphanet 217390, MedGen C4722305, MONDO:0009478, OMIM 243700.

Allele frequency attached by ClinVar (database versions not stated): gnomAD exomes below 0.00001.
gnomAD v4.1: 4 of 1,614,168 alleles (0.00025%); highest among the groups gnomAD compares: Middle Eastern, 0.016%; no homozygotes.

Submission:

Labcorp Genetics (formerly Invitae), Labcorp
Classification: Uncertain significance for Combined immunodeficiency due to DOCK8 deficiency. Last evaluated: 2020-11-20. Review status: criteria provided, single submitter. Criteria: Invitae Variant Classification Sherloc (09022015). Collection method: clinical testing. Allele origin: germline.
Comment: In summary, the available evidence is currently insufficient to determine the role of this variant in disease. Therefore, it has been classified as a Variant of Uncertain Significance. Algorithms developed to predict the effect of missense changes on protein structure and function (SIFT, PolyPhen-2, Align-GVGD) all suggest that this variant is likely to be tolerated, but these predictions have not been confirmed by published functional studies and their clinical significance is uncertain. This variant has not been reported in the literature in individuals with DOCK8-related conditions. This variant is not present in population databases (ExAC no frequency). This sequence change replaces glutamic acid with glutamine at codon 166 of the DOCK8 protein (p.Glu166Gln). The glutamic acid residue is moderately conserved and there is a small physicochemical difference between glutamic acid and glutamine.